The following is an entry in ClinVar:

NM_138576.4(BCL11B):c.260C>T (p.Ala87Val)

Gene: BCL11B (BCL11 transcription factor B; minus strand). Cytogenetic location: 14q32.2.
Variant type: single nucleotide variant.
Coding change: c.260C>T on transcript NM_138576.4 (MANE Select); coding-DNA position 260, C replaced by T.
Protein change: p.Ala87Val; replaces alanine 87 with valine.
Molecular consequence: missense variant.
Genome position (GRCh38, 1-based): chr14:99,257,638, G>A on the plus strand (C>T on the coding strand, the complement: BCL11B is on the minus strand). VCF-style: chr14-99257638-G-A. GRCh37 (hg19) VCF-style: chr14-99723975-G-A.
Other names: c.257C>T, p.Ala86Val (NM_001282237.2, NM_001282238.2); c.260C>T, p.Ala87Val (NM_022898.3); short protein forms A87V, A86V.
Identifiers: ClinVar variation 2041888 (VCV002041888.4), dbSNP rs2503927169, ClinGen allele CA390939192.

ClinVar aggregate classification (germline): Uncertain significance (1 of 4 stars; one submission).

Submission:

Labcorp Genetics (formerly Invitae), Labcorp
Classification: Uncertain significance. Last evaluated: 2021-12-13. Review status: criteria provided, single submitter. Criteria: Invitae Variant Classification Sherloc (09022015). Collection method: clinical testing. Allele origin: germline.
Comment: In summary, the available evidence is currently insufficient to determine the role of this variant in disease. Therefore, it has been classified as a Variant of Uncertain Significance. Algorithms developed to predict the effect of missense changes on protein structure and function output the following: SIFT: "Tolerated"; PolyPhen-2: "Benign"; Align-GVGD: "Class C0". The valine amino acid residue is found in multiple mammalian species, which suggests that this missense change does not adversely affect protein function. This variant has not been reported in the literature in individuals affected with BCL11B-related conditions. This variant is not present in population databases (gnomAD no frequency). This sequence change replaces alanine, which is neutral and non-polar, with valine, which is neutral and non-polar, at codon 87 of the BCL11B protein (p.Ala87Val).